The following is an entry in ClinVar:

ClinVar aggregate classification (germline): Uncertain significance (1 of 4 stars; one submission).

Conditions:
Arterial tortuosity syndrome (ATORS). Identifiers: Orphanet 3342, MedGen C1859726, MONDO:0008818, OMIM 208050.

Allele frequency attached by ClinVar (database versions not stated): gnomAD exomes below 0.00001; TOPMed below 0.00001; gnomAD 0.00001.
gnomAD v4.1: 2 of 1,614,106 alleles (0.00012%); highest among the groups gnomAD compares: Admixed American, 0.0017%; no homozygotes.

Submission:

Labcorp Genetics (formerly Invitae), Labcorp
Classification: Uncertain significance for Arterial tortuosity syndrome. Last evaluated: 2022-08-09. Review status: criteria provided, single submitter. Criteria: Invitae Variant Classification Sherloc (09022015). Collection method: clinical testing. Allele origin: germline.
Comment: This sequence change replaces glutamine, which is neutral and polar, with lysine, which is basic and polar, at codon 247 of the SLC2A10 protein (p.Gln247Lys). This variant is not present in population databases (gnomAD no frequency). This variant has not been reported in the literature in individuals affected with SLC2A10-related conditions. Advanced modeling of protein sequence and biophysical properties (such as structural, functional, and spatial information, amino acid conservation, physicochemical variation, residue mobility, and thermodynamic stability) performed at Invitae indicates that this missense variant is expected to disrupt SLC2A10 protein function. In summary, the available evidence is currently insufficient to determine the role of this variant in disease. Therefore, it has been classified as a Variant of Uncertain Significance.

NM_030777.4(SLC2A10):c.739C>A (p.Gln247Lys)

Gene: SLC2A10 (solute carrier family 2 member 10; plus strand). Cytogenetic location: 20q13.12.
Variant type: single nucleotide variant.
Coding change: c.739C>A on transcript NM_030777.4 (MANE Select); coding-DNA position 739, C replaced by A.
Protein change: p.Gln247Lys; replaces glutamine 247 with lysine.
Molecular consequence: missense variant.
Genome position (GRCh38, 1-based): chr20:46,725,775, C>A. VCF-style: chr20-46725775-C-A. GRCh37 (hg19) VCF-style: chr20-45354414-C-A.
Other names: short protein forms Q247K.
Identifiers: ClinVar variation 2166374 (VCV002166374.3), dbSNP rs1238405484, ClinGen allele CA409267948.